The following is an entry in ClinVar:

ClinVar aggregate classification (germline): Likely pathogenic (1 of 4 stars; one submission).

Conditions:
Cardiovascular phenotype. Identifiers: MedGen CN230736.

Submission:

Ambry Genetics
Classification: Likely pathogenic for Cardiovascular phenotype. Last evaluated: 2025-08-08. Review status: criteria provided, single submitter. Criteria: Ambry Variant Classification Scheme 2023. Collection method: clinical testing. Allele origin: germline.
Comment: The c.37000_37004delins15 variant, located in coding exon 135 of the TTN gene, results from the deletion of 5 nucleotides and insertion of 15 nucleotides (ACGTAGGGGAGGTAA) causing a translational frameshift with a predicted alternate stop codon (p.D12334Tfs*2). This exon is located in the A-band region of the N2-B isoform of the titin protein and is constitutively expressed in TTN transcripts (percent spliced in or PSI 100%). This variant is considered to be rare based on population cohorts in the Genome Aggregation Database (gnomAD). This variant is expected to result in loss of function by premature protein truncation or nonsense-mediated mRNA decay. While truncating variants in TTN are present in 1-3% of the general population, truncating variants in the A-band are the most common cause of dilated cardiomyopathy (Herman DS et al. N. Engl. J. Med., 2012 Feb;366:619-28; Roberts AM et al. Sci Transl Med, 2015 Jan;7:270ra6). TTN truncating variants encoded in constitutive exons (PSI >90%) have been found to be significantly associated with DCM regardless of their position in titin (Schafer S et al. Nat. Genet., 2017 01;49:46-53; Akhtar MM et al. Circ Heart Fail, 2020 Oct;13:e006832; Massier M et al. Clin Genet, 2025 Jan). Based on the majority of available evidence to date, this variant is likely to be pathogenic.

NM_001267550.2(TTN):c.64195_64199delinsACGTAGGGGAGGTAA (p.Asp21399_Gly21400delinsThrTer)

Genes: TTN (titin; minus strand), TTN-AS1 (TTN antisense RNA 1; plus strand). Cytogenetic location: 2q31.2.
Variant type: Indel.
Coding change: c.64195_64199delinsACGTAGGGGAGGTAA on transcript NM_001267550.2 (MANE Select); coding-DNA positions 64195 to 64199, GATGG replaced by ACGTAGGGGAGGTAA.
Protein change: p.Asp21399_Gly21400delinsThrTer.
Molecular consequence: nonsense.
Genome position (GRCh38, 1-based): chr2:178,586,702-178,586,706, CCATC replaced by TTACCTCCCCTACGT on the plus strand (GATGG replaced by ACGTAGGGGAGGTAA on the coding strand, the reverse complement: TTN is on the minus strand). VCF-style: chr2-178586702-CCATC-TTACCTCCCCTACGT. GRCh37 (hg19) VCF-style: chr2-179451429-CCATC-TTACCTCCCCTACGT.
Other names: c.59272_59276delinsACGTAGGGGAGGTAA, p.Asp19758_Gly19759delinsThrTer (NM_001256850.1); c.37000_37004delinsACGTAGGGGAGGTAA, p.Asp12334_Gly12335delinsThrTer (NM_003319.4); c.56491_56495delinsACGTAGGGGAGGTAA, p.Asp18831_Gly18832delinsThrTer (NM_133378.4); c.37375_37379delinsACGTAGGGGAGGTAA, p.Asp12459_Gly12460delinsThrTer (NM_133432.3); c.37576_37580delinsACGTAGGGGAGGTAA, p.Asp12526_Gly12527delinsThrTer (NM_133437.4).
Identifiers: ClinVar variation 4193755 (VCV004193755.1).